The following is an entry in ClinVar:

ClinVar aggregate classification (germline): Pathogenic (1 of 4 stars; one submission).

Allele frequency attached by ClinVar (database versions not stated): gnomAD exomes below 0.00001.

Submission:

Labcorp Genetics (formerly Invitae), Labcorp
Classification: Pathogenic. Last evaluated: 2021-05-29. Review status: criteria provided, single submitter. Criteria: Invitae Variant Classification Sherloc (09022015). Collection method: clinical testing. Allele origin: germline.
Comment: This variant is not present in population databases (ExAC no frequency). For these reasons, this variant has been classified as Pathogenic. This variant has not been reported in the literature in individuals with CDH23-related conditions. This sequence change creates a premature translational stop signal (p.His1619Thrfs*4) in the CDH23 gene. It is expected to result in an absent or disrupted protein product. Loss-of-function variants in CDH23 are known to be pathogenic (PMID: 11138009, 21940737).

Literature cited by the submitters: PubMed 11138009; PubMed 21940737.

NM_022124.6(CDH23):c.4855del (p.His1619fs)

Gene: CDH23 (cadherin related 23; plus strand). Cytogenetic location: 10q22.1.
Variant type: Deletion.
Coding change: c.4855del on transcript NM_022124.6 (MANE Select); coding-DNA position 4855, one base deleted (C; older notation c.4855delC).
Protein change: p.His1619fs; shifts the reading frame from histidine 1619.
Molecular consequence: frameshift variant.
Genome position (GRCh38, 1-based): chr10:71,777,689, C deleted. VCF-style (leftmost placement, unchanged base first): chr10-71777688-GC-G. GRCh37 (hg19) VCF-style: chr10-73537445-GC-G.
Other names: short protein forms H1619fs.
Identifiers: ClinVar variation 1399698 (VCV001399698.6), dbSNP rs2132925663, ClinGen allele CA2573145366.